The following is an entry in ClinVar:

NM_032578.4(MYPN):c.2554G>A (p.Ala852Thr)

Gene: MYPN (myopalladin; plus strand). Cytogenetic location: 10q21.3.
Variant type: single nucleotide variant.
Coding change: c.2554G>A on transcript NM_032578.4 (MANE Select); coding-DNA position 2554, G replaced by A.
Protein change: p.Ala852Thr; replaces alanine 852 with threonine.
Molecular consequence: missense variant. On other transcripts: non-coding transcript variant (2).
Genome position (GRCh38, 1-based): chr10:68,174,646, G>A. VCF-style: chr10-68174646-G-A. GRCh37 (hg19) VCF-style: chr10-69934403-G-A.
Other names: c.2554G>A, p.Ala852Thr (NM_001256267.2); c.1672G>A, p.Ala558Thr (NM_001256268.2); short protein forms A852T, A558T.
Identifiers: ClinVar variation 1792994 (VCV001792994.2), dbSNP rs780000855, ClinGen allele CA5522801.
Genomic context (GRCh38, chr10:68,174,646, plus strand): 5'-TCTGTTCTGCCTTCTCTCCCTGCCATCCCACCCACAAATGCCATGGGGCTGCCTAGAAGT[G>A]CACCATCCATGTAAGTGTCATTGAGGTTTCTTGATGTAAGATGCTAGTTAAGAGTCGATG-3'
Protein context (NP_115967.2, residues 842-862): PTNAMGLPRS[Ala852Thr]PSMPSQGLAK

ClinVar aggregate classification (germline): Uncertain significance (1 of 4 stars; one submission).

Conditions:
Cardiovascular phenotype. Identifiers: MedGen CN230736.

Allele frequency attached by ClinVar (database versions not stated): gnomAD exomes below 0.00001; ExAC 0.00001; gnomAD 0.00001.
gnomAD v4.1: 4 of 1,613,944 alleles (0.00025%); highest among the groups gnomAD compares: Non-Finnish European, 0.00034%; no homozygotes.

Submission:

Ambry Genetics
Classification: Uncertain significance for Cardiovascular phenotype. Last evaluated: 2023-11-06. Review status: criteria provided, single submitter. Criteria: Ambry Variant Classification Scheme 2023. Collection method: clinical testing. Allele origin: germline.
Comment: The p.A852T variant (also known as c.2554G>A), located in coding exon 10 of the MYPN gene, results from a G to A substitution at nucleotide position 2554. The alanine at codon 852 is replaced by threonine, an amino acid with similar properties. This amino acid position is conserved. In addition, this alteration is predicted to be tolerated by in silico analysis. Since supporting evidence is limited at this time, the clinical significance of this alteration remains unclear.